The following is an entry in ClinVar:

ClinVar aggregate classification (germline): Uncertain significance (1 of 4 stars; one submission).

Conditions:
Charcot-Marie-Tooth disease, type I (CMT1). Also called: Charcot-Marie-Tooth disease type 1; Charcot-Marie-Tooth, Type 1. Identifiers: Orphanet 65753, MedGen C0751036, MONDO:0019011.

Submission:

Labcorp Genetics (formerly Invitae), Labcorp
Classification: Uncertain significance for Charcot-Marie-Tooth disease, type I. Last evaluated: 2019-05-30. Review status: criteria provided, single submitter. Criteria: Invitae Variant Classification Sherloc (09022015). Collection method: clinical testing. Allele origin: germline.
Comment: In summary, the available evidence is currently insufficient to determine the role of this variant in disease. Therefore, it has been classified as a Variant of Uncertain Significance. Algorithms developed to predict the effect of missense changes on protein structure and function are either unavailable or do not agree on the potential impact of this missense change (SIFT: "Tolerated"; PolyPhen-2: "Possibly Damaging"; Align-GVGD: "Class C0"). This variant has not been reported in the literature in individuals with EGR2-related conditions. This variant is not present in population databases (ExAC no frequency). This sequence change replaces cysteine with serine at codon 400 of the EGR2 protein (p.Cys400Ser). The cysteine residue is highly conserved and there is a moderate physicochemical difference between cysteine and serine.

NM_000399.5(EGR2):c.1198T>A (p.Cys400Ser)

Gene: EGR2 (early growth response 2; minus strand). Cytogenetic location: 10q21.3.
Variant type: single nucleotide variant.
Coding change: c.1198T>A on transcript NM_000399.5 (MANE Select); coding-DNA position 1198, T replaced by A.
Protein change: p.Cys400Ser; replaces cysteine 400 with serine.
Molecular consequence: missense variant.
Genome position (GRCh38, 1-based): chr10:62,813,440, A>T on the plus strand (T>A on the coding strand, the complement: EGR2 is on the minus strand). VCF-style: chr10-62813440-A-T. GRCh37 (hg19) VCF-style: chr10-64573200-A-T.
Other names: c.1198T>A, p.Cys400Ser (NM_001136177.3, NM_001136178.2); c.1048T>A, p.Cys350Ser (NM_001136179.3, NM_001321037.2); short protein forms C400S, C350S.
Identifiers: ClinVar variation 952193 (VCV000952193.8), dbSNP rs1842165409, ClinGen allele CA377027380.